The following is an entry in ClinVar:

ClinVar aggregate classification (germline): Uncertain significance. Review status: criteria provided, multiple submitters, no conflicts (2 of 4 stars). 2 submissions from 2 submitters: Uncertain significance (2). Last evaluated 2024-03-28.

Conditions:
Hereditary cancer-predisposing syndrome. Also called: Hereditary Cancer Syndrome; Tumor predisposition; Neoplastic Syndromes, Hereditary; Hereditary neoplastic syndrome. Identifiers: Orphanet 140162, MedGen C0027672, MeSH D009386, MONDO:0015356.
Ataxia-telangiectasia syndrome (AT). Also called: ATAXIA-TELANGIECTASIA, FRESNO VARIANT; Ataxia-telangiectasia, complementation group E; Ataxia telangiectasia (A-T); Cerebello-oculocutaneous telangiectasia; Immunodeficiency with ataxia telangiectasia; LOUIS-BAR SYNDROME. Identifiers: Orphanet 100, MedGen C0004135, MONDO:0008840, OMIM 208900.

Allele frequency attached by ClinVar (database versions not stated): TOPMed below 0.00001; gnomAD 0.00001.
gnomAD v4.1: 1 of 1,480,546 alleles (0.000068%); highest among the groups gnomAD compares: Non-Finnish European, 0.000094%; no homozygotes.

Submissions (2):

Labcorp Genetics (formerly Invitae), Labcorp
Classification: Uncertain significance for Ataxia-telangiectasia syndrome. Last evaluated: 2024-03-28. Review status: criteria provided, single submitter. Criteria: Invitae Variant Classification Sherloc (09022015). Collection method: clinical testing. Allele origin: germline.
Comment: This sequence change replaces tyrosine, which is neutral and polar, with aspartic acid, which is acidic and polar, at codon 1248 of the ATM protein (p.Tyr1248Asp). This variant is not present in population databases (gnomAD no frequency). This variant has not been reported in the literature in individuals affected with ATM-related conditions. ClinVar contains an entry for this variant (Variation ID: 649209). An algorithm developed to predict the effect of missense changes on protein structure and function (PolyPhen-2) suggests that this variant is likely to be disruptive. In summary, the available evidence is currently insufficient to determine the role of this variant in disease. Therefore, it has been classified as a Variant of Uncertain Significance.

Ambry Genetics
Classification: Uncertain significance for Hereditary cancer-predisposing syndrome. Last evaluated: 2019-11-07. Review status: criteria provided, single submitter. Criteria: Ambry Variant Classification Scheme 2023. Collection method: clinical testing. Allele origin: germline.
Comment: The p.Y1248D variant (also known as c.3742T>G), located in coding exon 24 of the ATM gene, results from a T to G substitution at nucleotide position 3742. The tyrosine at codon 1248 is replaced by aspartic acid, an amino acid with highly dissimilar properties. This amino acid position is highly conserved in available vertebrate species. In addition, this alteration is predicted to be deleterious by in silico analysis. Since supporting evidence is limited at this time, the clinical significance of this alteration remains unclear.

NM_000051.4(ATM):c.3742T>G (p.Tyr1248Asp)

Gene: ATM (ATM serine/threonine kinase; plus strand). Cytogenetic location: 11q22.3.
Variant type: single nucleotide variant.
Coding change: c.3742T>G on transcript NM_000051.4 (MANE Select); coding-DNA position 3742, T replaced by G.
Protein change: p.Tyr1248Asp; replaces tyrosine 1248 with aspartic acid.
Molecular consequence: missense variant.
Genome position (GRCh38, 1-based): chr11:108,282,875, T>G. VCF-style: chr11-108282875-T-G. GRCh37 (hg19) VCF-style: chr11-108153602-T-G.
Other names: c.3742T>G, p.Tyr1248Asp (NM_001351834.2); short protein forms Y1248D.
Identifiers: ClinVar variation 649209 (VCV000649209.15), dbSNP rs1180341161, ClinGen allele CA382523865.